The following is an entry in ClinVar:

NM_144670.6(A2ML1):c.802C>G (p.Arg268Gly)

Gene: A2ML1 (alpha-2-macroglobulin like 1; plus strand). Cytogenetic location: 12p13.31.
Variant type: single nucleotide variant.
Coding change: c.802C>G on transcript NM_144670.6 (MANE Select); coding-DNA position 802, C replaced by G.
Protein change: p.Arg268Gly; replaces arginine 268 with glycine.
Molecular consequence: missense variant.
Genome position (GRCh38, 1-based): chr12:8,837,513, C>G. VCF-style: chr12-8837513-C-G. GRCh37 (hg19) VCF-style: chr12-8990109-C-G.
Other names: short protein forms R268G.
Identifiers: ClinVar variation 2727293 (VCV002727293.3), dbSNP rs759740387, ClinGen allele CA383822959.

ClinVar aggregate classification (germline): Uncertain significance (1 of 4 stars; one submission).

gnomAD v4.1: 2 of 1,613,962 alleles (0.00012%); highest among the groups gnomAD compares: Non-Finnish European, 0.00017%; no homozygotes.

Submission:

Labcorp Genetics (formerly Invitae), Labcorp
Classification: Uncertain significance. Last evaluated: 2023-02-21. Review status: criteria provided, single submitter. Criteria: Invitae Variant Classification Sherloc (09022015). Collection method: clinical testing. Allele origin: germline.
Comment: This sequence change replaces arginine, which is basic and polar, with glycine, which is neutral and non-polar, at codon 268 of the A2ML1 protein (p.Arg268Gly). In summary, the available evidence is currently insufficient to determine the role of this variant in disease. Therefore, it has been classified as a Variant of Uncertain Significance. Algorithms developed to predict the effect of missense changes on protein structure and function output the following: SIFT: "Not Available"; PolyPhen-2: "Benign"; Align-GVGD: "Not Available". The glycine amino acid residue is found in multiple mammalian species, which suggests that this missense change does not adversely affect protein function. This variant has not been reported in the literature in individuals affected with A2ML1-related conditions. This variant is not present in population databases (gnomAD no frequency).